The following is an entry in ClinVar:

ClinVar aggregate classification (germline): Likely pathogenic (1 of 4 stars; one submission).

Conditions:
TECTA-related disorder. Also called: TECTA-related condition.

Submission:

PreventionGenetics, part of Exact Sciences
Classification: Likely pathogenic for TECTA-related condition. Last evaluated: 2026-02-25. Review status: criteria provided, single submitter. Criteria: ACMG Guidelines, 2015. Collection method: clinical testing. Allele origin: germline.
Comment: The TECTA c.5383+1G>C variant is predicted to disrupt the GT donor site and interfere with normal splicing. To our knowledge, this variant has not been reported in the literature or in a large population database (gnomAD), indicating this variant is rare. Alternative variants affecting this splice donor site and resulting in exon skipping have been association with autosomal dominant inheritance (c.5383+6T>A, Yang et al. 2024 PubMed ID: 38676628; c.5383+5delGTGA, Lezirovitz et al. 2012. PubMed ID: 22995349). Variants that disrupt the consensus splice donor site in TECTA are expected to be pathogenic. This variant is interpreted as likely pathogenic.

NM_005422.4(TECTA):c.5383+1G>C

Genes: TBCEL-TECTA (TBCEL-TECTA readthrough; plus strand), TECTA (tectorin alpha; plus strand). Cytogenetic location: 11q23.3.
Variant type: single nucleotide variant.
Coding change: c.5383+1G>C on transcript NM_005422.4 (MANE Select); the canonical splice donor site of the intron after coding-DNA position 5383, G replaced by C.
Molecular consequence: splice donor variant.
Genome position (GRCh38, 1-based): chr11:121,165,384, G>C. VCF-style: chr11-121165384-G-C. GRCh37 (hg19) VCF-style: chr11-121036093-G-C.
Other names: c.6325+1G>C (NM_001378761.1).
Identifiers: ClinVar variation 4994731 (VCV004994731.1).